The following is an entry in ClinVar:

ClinVar aggregate classification (germline): Uncertain significance (1 of 4 stars; one submission).

Conditions:
Immunodeficiency 132A. Also called: Herpes simplex encephalitis, susceptibility to, 3. Identifiers: Orphanet 1930, MedGen C3553868, MONDO:0013920, OMIM 614849.

Allele frequency attached by ClinVar (database versions not stated): TOPMed below 0.00001.

Submission:

Labcorp Genetics (formerly Invitae), Labcorp
Classification: Uncertain significance for Immunodeficiency 132A. Last evaluated: 2023-12-07. Review status: criteria provided, single submitter. Criteria: Invitae Variant Classification Sherloc (09022015). Collection method: clinical testing. Allele origin: germline.
Comment: This sequence change replaces valine, which is neutral and non-polar, with leucine, which is neutral and non-polar, at codon 538 of the TRAF3 protein (p.Val538Leu). This variant is not present in population databases (gnomAD no frequency). This variant has not been reported in the literature in individuals affected with TRAF3-related conditions. An algorithm developed to predict the effect of missense changes on protein structure and function (PolyPhen-2) suggests that this variant is likely to be disruptive. In summary, the available evidence is currently insufficient to determine the role of this variant in disease. Therefore, it has been classified as a Variant of Uncertain Significance.

NM_145725.3(TRAF3):c.1612G>T (p.Val538Leu)

Gene: TRAF3 (TNF receptor associated factor 3; plus strand). Cytogenetic location: 14q32.32.
Variant type: single nucleotide variant.
Coding change: c.1612G>T on transcript NM_145725.3 (MANE Select); coding-DNA position 1612, G replaced by T.
Protein change: p.Val538Leu; replaces valine 538 with leucine.
Molecular consequence: missense variant.
Genome position (GRCh38, 1-based): chr14:102,905,689, G>T. VCF-style: chr14-102905689-G-T. GRCh37 (hg19) VCF-style: chr14-103372026-G-T.
Other names: c.1363G>T, p.Val455Leu (NM_001199427.2); c.1471G>T, p.Val491Leu (NM_001385142.1); c.1531G>T, p.Val511Leu (NM_001385143.1); c.1612G>T, p.Val538Leu (NM_003300.4); c.1537G>T, p.Val513Leu (NM_145726.3); short protein forms V455L, V511L, V491L, V513L, V538L.
Identifiers: ClinVar variation 2698573 (VCV002698573.3), dbSNP rs1448076918, ClinGen allele CA391077254.
Genomic context (GRCh38, chr14:102,905,689, plus strand): 5'-AGCAGCAGCTTCAAGAAGCCCACTGGAGAGATGAATATCGCCTCTGGCTGCCCAGTCTTT[G>T]TGGCCCAAACTGTTCTAGAAAATGGGACATATATTAAAGATGATACAATTTTTATTAAAG-3'
Protein context (NP_663777.1, residues 528-548): MNIASGCPVF[Val538Leu]AQTVLENGTY